The following is an entry in ClinVar:

NC_012920.1(MT-ND2):m.5069A>T

Gene: MT-ND2 (mitochondrially encoded NADH dehydrogenase 2; plus strand).
Variant type: single nucleotide variant.
Genome position: chrM-5069-A-T.
Identifiers: ClinVar variation 692539 (VCV000692539.1), dbSNP rs1603219761, ClinGen allele CA913179208.

ClinVar aggregate classification (germline): Likely benign (1 of 4 stars; one submission).

Conditions:
Leigh syndrome (NULS). Also called: Leigh's necrotizing encephalopathy; Leigh's disease; Leigh Syndrome (mtDNA deletion); Leigh Disease; Subacute necrotizing encephalopathy; Necrotizing encephalopathy infantile subacute of Leigh. Identifiers: Orphanet 506, MedGen C2931891, MONDO:0009723, OMIM 256000.

Submission:

Wong Mito Lab, Molecular and Human Genetics, Baylor College of Medicine
Classification: Likely benign for Leigh syndrome. Last evaluated: 2019-10-17. Review status: criteria provided, single submitter. Criteria: Modified ACMG Guidelines (Unpublished). Collection method: clinical testing. Allele origin: germline.
Comment: The NC_012920.1:m.5069A>T (YP_003024027.1:p.Met200Ile) variant in MTND2 gene is interpretated to be a Likely Benign variant based on the modified ACMG guidelines (unpublished). This variant meets the following evidence codes: BS1, BP4, BP5